The following is an entry in ClinVar:

NM_005619.5(RTN2):c.929C>A (p.Pro310His)

Genes: OPA3-RTN2 (OPA3-RTN2 readthrough; minus strand), RTN2 (reticulon 2; minus strand). Cytogenetic location: 19q13.32.
Variant type: single nucleotide variant.
Coding change: c.929C>A on transcript NM_005619.5 (MANE Select); coding-DNA position 929, C replaced by A.
Protein change: p.Pro310His; replaces proline 310 with histidine.
Molecular consequence: missense variant. On other transcripts: intron variant (1).
Genome position (GRCh38, 1-based): chr19:45,493,264, G>T on the plus strand (C>A on the coding strand, the complement: RTN2 is on the minus strand). VCF-style: chr19-45493264-G-T. GRCh37 (hg19) VCF-style: chr19-45996522-G-T.
Other names: p.Pro310His; c.814+902C>A (NM_206900.3); short protein forms P310H.
Identifiers: ClinVar variation 696212 (VCV000696212.10), dbSNP rs141012670, ClinGen allele CA9516133.

ClinVar aggregate classification (germline): Benign/Likely benign. Review status: criteria provided, multiple submitters, no conflicts (2 of 4 stars). 2 submissions from 2 submitters: Benign (1); Likely benign (1). Last evaluated 2025-11-27.

Conditions:
Spastic paraplegia. Identifiers: MedGen C0037772, HP:0001258.

Allele frequency attached by ClinVar (database versions not stated): gnomAD exomes 0.00020 and 0.00049; ExAC 0.00076; 1000 Genomes Project 0.00120; 1000 Genomes Project 30x 0.00125; gnomAD 0.00203 and 0.00218; TOPMed 0.00220; ESP Exome Variant Server 0.00261.
gnomAD v4.1: 603 of 1,613,582 alleles (0.037%); highest among the groups gnomAD compares: African/African-American, 0.75%; 1 homozygote.

Submissions (2):

Mayo Clinic Laboratories, Mayo Clinic
Classification: Likely benign. Last evaluated: 2025-11-27. Review status: criteria provided, single submitter. Criteria: ACMG Guidelines, 2015. Collection method: clinical testing. Allele origin: germline. Observed: 1 variant allele.
Comment: BS1, BP4

Labcorp Genetics (formerly Invitae), Labcorp
Classification: Benign for Spastic paraplegia. Last evaluated: 2025-11-06. Review status: criteria provided, single submitter. Criteria: Invitae Variant Classification Sherloc (09022015). Collection method: clinical testing. Allele origin: germline.